The following is an entry in ClinVar:

NM_138459.5(NUS1):c.787A>G (p.Ile263Val)

Gene: NUS1 (NUS1 dehydrodolichyl diphosphate synthase subunit; plus strand). Cytogenetic location: 6q22.1.
Variant type: single nucleotide variant.
Coding change: c.787A>G on transcript NM_138459.5 (MANE Select); coding-DNA position 787, A replaced by G.
Protein change: p.Ile263Val; replaces isoleucine 263 with valine.
Molecular consequence: missense variant.
Genome position (GRCh38, 1-based): chr6:117,703,700, A>G. VCF-style: chr6-117703700-A-G. GRCh37 (hg19) VCF-style: chr6-118024863-A-G.
Other names: short protein forms I263V.
Identifiers: ClinVar variation 1470102 (VCV001470102.8), dbSNP rs1773460765, ClinGen allele CA365537465.

ClinVar aggregate classification (germline): Uncertain significance (1 of 4 stars; one submission).

Conditions:
Congenital disorder of glycosylation, type Iaa. Also called: Congenital disorder of glycosylation, type 1aa. Identifiers: MedGen C4310727, MONDO:0014904, OMIM 617082.

Allele frequency attached by ClinVar (database versions not stated): gnomAD 0.00001.
gnomAD v4.1: 1 of 1,608,354 alleles (0.000062%); highest among the groups gnomAD compares: African/African-American, 0.0013%; no homozygotes.

Submission:

Labcorp Genetics (formerly Invitae), Labcorp
Classification: Uncertain significance for Congenital disorder of glycosylation, type Iaa. Last evaluated: 2021-01-14. Review status: criteria provided, single submitter. Criteria: Invitae Variant Classification Sherloc (09022015). Collection method: clinical testing. Allele origin: germline.
Comment: In summary, the available evidence is currently insufficient to determine the role of this variant in disease. Therefore, it has been classified as a Variant of Uncertain Significance. Algorithms developed to predict the effect of missense changes on protein structure and function are either unavailable or do not agree on the potential impact of this missense change (SIFT: "Tolerated"; PolyPhen-2: "Possibly Damaging"; Align-GVGD: "Class C0"). This variant has been observed in individual(s) with clinical features of NUS1-related conditions (Invitae). This variant is not present in population databases (ExAC no frequency). This sequence change replaces isoleucine with valine at codon 263 of the NUS1 protein (p.Ile263Val). The isoleucine residue is highly conserved and there is a small physicochemical difference between isoleucine and valine.